The following is an entry in ClinVar:

NM_006204.4(PDE6C):c.1482+3_1482+6del

Gene: PDE6C (phosphodiesterase 6C; plus strand). Cytogenetic location: 10q23.33.
Variant type: Deletion.
Coding change: c.1482+3_1482+6del on transcript NM_006204.4 (MANE Select); bases 3 to 6 of the intron after coding-DNA position 1482, 4 bases deleted (AAGT; older notation c.1482+3_1482+6delAAGT).
Molecular consequence: splice donor variant.
Genome position (GRCh38, 1-based): chr10:93,637,066-93,637,069, AAGT deleted; deleting any 4 consecutive bases within chr10:93,637,064-93,637,069 gives the same sequence; the c. name uses the placement nearest the transcript's 3' end. VCF-style (leftmost placement, unchanged base first): chr10-93637063-GGTAA-G. GRCh37 (hg19) VCF-style: chr10-95396820-GGTAA-G.
Identifiers: ClinVar variation 1021086 (VCV001021086.4), dbSNP rs1564800404, ClinGen allele CA918735111.

ClinVar aggregate classification (germline): Uncertain significance (1 of 4 stars; one submission).

Submission:

Labcorp Genetics (formerly Invitae), Labcorp
Classification: Uncertain significance. Last evaluated: 2020-06-17. Review status: criteria provided, single submitter. Criteria: Invitae Variant Classification Sherloc (09022015). Collection method: clinical testing. Allele origin: germline.
Comment: This sequence change falls in intron 11 of the PDE6C gene. It does not directly change the encoded amino acid sequence of the PDE6C protein, but it affects a nucleotide within the consensus splice site of the intron. This variant is not present in population databases (ExAC no frequency). This variant has not been reported in the literature in individuals with PDE6C-related conditions. Nucleotide substitutions within the consensus splice site are a relatively common cause of aberrant splicing (PMID: 17576681, 9536098). Algorithms developed to predict the effect of sequence changes on RNA splicing suggest that this variant may disrupt the consensus splice site, but this prediction has not been confirmed by published transcriptional studies. In summary, the available evidence is currently insufficient to determine the role of this variant in disease. Therefore, it has been classified as a Variant of Uncertain Significance.

Literature cited by the submitters: PubMed 17576681; PubMed 9536098.